The following is an entry in ClinVar:

ClinVar aggregate classification (germline): Uncertain significance (1 of 4 stars; one submission).

Submission:

GeneDx
Classification: Uncertain significance. Last evaluated: 2023-12-25. Review status: criteria provided, single submitter. Criteria: GeneDx Variant Classification Process June 2021. Collection method: clinical testing. Allele origin: germline. Affected: yes.
Comment: Not observed at significant frequency in large population cohorts (gnomAD); In silico analysis supports that this missense variant has a deleterious effect on protein structure/function; Has not been previously published as pathogenic or benign to our knowledge

NM_001330288.2(SMARCC2):c.488A>C (p.His163Pro)

Gene: SMARCC2 (SWI/SNF related BAF chromatin remodeling complex subunit C2; minus strand). Cytogenetic location: 12q13.2.
Variant type: single nucleotide variant.
Coding change: c.488A>C on transcript NM_001330288.2 (MANE Select); coding-DNA position 488, A replaced by C.
Protein change: p.His163Pro; replaces histidine 163 with proline.
Molecular consequence: missense variant.
Genome position (GRCh38, 1-based): chr12:56,184,848, T>G on the plus strand (A>C on the coding strand, the complement: SMARCC2 is on the minus strand). VCF-style: chr12-56184848-T-G. GRCh37 (hg19) VCF-style: chr12-56578632-T-G.
Other names: c.488A>C, p.His163Pro (NM_001130420.3, NM_003075.5, NM_139067.4); short protein forms H163P.
Identifiers: ClinVar variation 3370066 (VCV003370066.1).